The following is an entry in ClinVar:

NM_001379270.1(CNGA1):c.323A>G (p.Lys108Arg)

Genes: CNGA1 (cyclic nucleotide gated channel subunit alpha 1; minus strand), LOC101927157 (uncharacterized LOC101927157; plus strand). Cytogenetic location: 4p12.
Variant type: single nucleotide variant.
Coding change: c.323A>G on transcript NM_001379270.1 (MANE Select); coding-DNA position 323, A replaced by G.
Protein change: p.Lys108Arg; replaces lysine 108 with arginine.
Molecular consequence: missense variant.
Genome position (GRCh38, 1-based): chr4:47,943,377, T>C on the plus strand (A>G on the coding strand, the complement: CNGA1 is on the minus strand). VCF-style: chr4-47943377-T-C. GRCh37 (hg19) VCF-style: chr4-47945394-T-C.
Other names: c.323A>G, p.Lys108Arg (NM_000087.5, NM_001142564.2); c.335A>G, p.Lys112Arg (NM_001375386.1); c.335A>G (NM_000087.3); short protein forms K108R, K112R.
Identifiers: ClinVar variation 2077937 (VCV002077937.4), dbSNP rs773033454, ClinGen allele CA2911320.

ClinVar aggregate classification (germline): Uncertain significance. Review status: criteria provided, multiple submitters, no conflicts (2 of 4 stars). 2 submissions from 2 submitters: Uncertain significance (2). Last evaluated 2025-09-11.

Conditions:
Inborn genetic diseases. Identifiers: MedGen C0950123, MeSH D030342.

Allele frequency attached by ClinVar (database versions not stated): ExAC 0.00009.
gnomAD v4.1: 9 of 1,518,682 alleles (0.00059%); highest among the groups gnomAD compares: Middle Eastern, 0.018%; no homozygotes.

Submissions (2):

Ambry Genetics
Classification: Uncertain significance for Inborn genetic diseases. Last evaluated: 2025-09-11. Review status: criteria provided, single submitter. Criteria: Ambry Variant Classification Scheme 2023. Collection method: clinical testing. Allele origin: germline.

Labcorp Genetics (formerly Invitae), Labcorp
Classification: Uncertain significance. Last evaluated: 2022-10-19. Review status: criteria provided, single submitter. Criteria: Invitae Variant Classification Sherloc (09022015). Collection method: clinical testing. Allele origin: germline.
Comment: This sequence change replaces lysine, which is basic and polar, with arginine, which is basic and polar, at codon 112 of the CNGA1 protein (p.Lys112Arg). The frequency data for this variant in the population databases is considered unreliable, as metrics indicate poor data quality at this position in the gnomAD database. This variant has not been reported in the literature in individuals affected with CNGA1-related conditions. Algorithms developed to predict the effect of missense changes on protein structure and function (SIFT, PolyPhen-2, Align-GVGD) all suggest that this variant is likely to be tolerated. In summary, the available evidence is currently insufficient to determine the role of this variant in disease. Therefore, it has been classified as a Variant of Uncertain Significance.